The following is an entry in ClinVar:

NM_000548.5(TSC2):c.3481G>A (p.Ala1161Thr)

Gene: TSC2 (TSC complex subunit 2; plus strand). Cytogenetic location: 16p13.3.
Variant type: single nucleotide variant.
Coding change: c.3481G>A on transcript NM_000548.5 (MANE Select); coding-DNA position 3481, G replaced by A.
Protein change: p.Ala1161Thr; replaces alanine 1161 with threonine.
Molecular consequence: missense variant.
Genome position (GRCh38, 1-based): chr16:2,080,248, G>A. VCF-style: chr16-2080248-G-A. GRCh37 (hg19) VCF-style: chr16-2130249-G-A.
Other names: c.3352G>A, p.Ala1118Thr (NM_021055.3, NM_001363528.2, NM_001370405.1); c.3349G>A, p.Ala1117Thr (NM_001077183.3, NM_001370404.1); c.3481G>A, p.Ala1161Thr (NM_001114382.3); c.3241G>A, p.Ala1081Thr (NM_001318827.2); c.3205G>A, p.Ala1069Thr (NM_001318829.2); c.2749G>A, p.Ala917Thr (NM_001318831.2); c.3382G>A, p.Ala1128Thr (NM_001318832.2); short protein forms A1117T, A1161T, A1069T, A1118T, A1081T, A1128T, A917T.
Identifiers: ClinVar variation 823823 (VCV000823823.16), dbSNP rs754177014, ClinGen allele CA394289005.

ClinVar aggregate classification (germline): Uncertain significance. Review status: criteria provided, multiple submitters, no conflicts (2 of 4 stars). 3 submissions from 3 submitters: Uncertain significance (3). Last evaluated 2022-03-30.

Conditions:
Tuberous sclerosis 2 (TSC2). Identifiers: Orphanet 805, MedGen C1860707, MONDO:0013199, OMIM 613254.
Hereditary cancer-predisposing syndrome. Also called: Neoplastic Syndromes, Hereditary; Hereditary Cancer Syndrome; Hereditary neoplastic syndrome; Tumor predisposition. Identifiers: Orphanet 140162, MedGen C0027672, MeSH D009386, MONDO:0015356.

Submissions (3):

Ambry Genetics
Classification: Uncertain significance for Hereditary cancer-predisposing syndrome. Last evaluated: 2022-03-30. Review status: criteria provided, single submitter. Criteria: Ambry Variant Classification Scheme 2023. Collection method: clinical testing. Allele origin: germline.
Comment: The p.A1161T variant (also known as c.3481G>A), located in coding exon 29 of the TSC2 gene, results from a G to A substitution at nucleotide position 3481. The alanine at codon 1161 is replaced by threonine, an amino acid with similar properties. This amino acid position is poorly conserved in available vertebrate species. In addition, this alteration is predicted to be tolerated by in silico analysis. Since supporting evidence is limited at this time, the clinical significance of this alteration remains unclear.

Genome-Nilou Lab
Classification: Uncertain significance for Tuberous sclerosis 2. Last evaluated: 2021-11-07. Review status: criteria provided, single submitter. Criteria: ACMG Guidelines, 2015. Collection method: clinical testing. Allele origin: germline. Affected: no.

Labcorp Genetics (formerly Invitae), Labcorp
Classification: Uncertain significance for Tuberous sclerosis 2. Last evaluated: 2019-05-29. Review status: criteria provided, single submitter. Criteria: Invitae Variant Classification Sherloc (09022015). Collection method: clinical testing. Allele origin: germline.
Comment: This variant has not been reported in the literature in individuals with TSC2-related conditions. In summary, the available evidence is currently insufficient to determine the role of this variant in disease. Therefore, it has been classified as a Variant of Uncertain Significance. Algorithms developed to predict the effect of missense changes on protein structure and function output the following: SIFT: "Tolerated"; PolyPhen-2: "Benign"; Align-GVGD: "Class C0". The threonine amino acid residue is found in multiple mammalian species, suggesting that this missense change does not adversely affect protein function. These predictions have not been confirmed by published functional studies and their clinical significance is uncertain. This variant is not present in population databases (ExAC no frequency). This sequence change replaces alanine with threonine at codon 1161 of the TSC2 protein (p.Ala1161Thr). The alanine residue is weakly conserved and there is a small physicochemical difference between alanine and threonine.